The following is an entry in ClinVar:

NM_001304438.2(TMEM132E):c.23G>T (p.Arg8Leu)

Gene: TMEM132E (transmembrane protein 132E; plus strand). Cytogenetic location: 17q12.
Variant type: single nucleotide variant.
Coding change: c.23G>T on transcript NM_001304438.2 (MANE Select); coding-DNA position 23, G replaced by T.
Protein change: p.Arg8Leu; replaces arginine 8 with leucine.
Molecular consequence: missense variant.
Genome position (GRCh38, 1-based): chr17:34,581,099, G>T. VCF-style: chr17-34581099-G-T. GRCh37 (hg19) VCF-style: chr17-32908118-G-T.
Other names: short protein forms R8L.
Identifiers: ClinVar variation 4986666 (VCV004986666.1).

ClinVar aggregate classification (germline): Uncertain significance (1 of 4 stars; one submission).

Conditions:
TMEM132E-related disorder. Also called: TMEM132E-related condition.

gnomAD v4.1: 8 of 1,543,866 alleles (0.00052%); highest among the groups gnomAD compares: Admixed American, 0.015%; no homozygotes.

Submission:

PreventionGenetics, part of Exact Sciences
Classification: Uncertain significance for TMEM132E-related condition. Last evaluated: 2026-07-05. Review status: criteria provided, single submitter. Criteria: ACMG Guidelines, 2015. Collection method: clinical testing. Allele origin: germline.
Comment: The TMEM132E c.23G>T variant is predicted to result in the amino acid substitution p.Arg8Leu. To our knowledge, this variant has not been reported in the literature. This variant is reported in 0.024% of alleles in individuals of Latino descent in gnomAD. At this time, the clinical significance of this variant is uncertain due to the absence of conclusive functional and genetic evidence.